The following is an entry in ClinVar:

NM_001365276.2(TNXB):c.8362G>T (p.Glu2788Ter)

Gene: TNXB (tenascin XB; minus strand). Cytogenetic location: 6p21.33.
Variant type: single nucleotide variant.
Coding change: c.8362G>T on transcript NM_001365276.2 (MANE Select); coding-DNA position 8362, G replaced by T.
Protein change: p.Glu2788Ter; replaces glutamic acid 2788 with a stop codon.
Molecular consequence: nonsense.
Genome position (GRCh38, 1-based): chr6:32,055,956, C>A on the plus strand (G>T on the coding strand, the complement: TNXB is on the minus strand). VCF-style: chr6-32055956-C-A. GRCh37 (hg19) VCF-style: chr6-32023733-C-A.
Other names: c.9103G>T, p.Glu3035Ter (NM_001428335.1); c.8362G>T, p.Glu2788Ter (NM_019105.8); short protein forms E3035*, E2788*.
Identifiers: ClinVar variation 5007026 (VCV005007026.2).

ClinVar aggregate classification (germline): Likely pathogenic (1 of 4 stars; one submission).

Conditions:
Ehlers-Danlos syndrome due to tenascin-X deficiency (EDSCLL1). Also called: EHLERS-DANLOS SYNDROME, CLASSIC-LIKE; Ehlers-Danlos syndrome, classic-like, 1; TNX DEFICIENCY; TNXB-Related Classical-Like Ehlers-Danlos Syndrome; EDS DUE TO TNX DEFICIENCY. Identifiers: Orphanet 230839, MedGen C1848029, MONDO:0011670, OMIM 606408.
Vesicoureteral reflux 8 (VUR8). Identifiers: Orphanet 289365, MedGen C4014831, MONDO:0014422, OMIM 615963.

Submission:

Juno Genomics, Hangzhou Juno Genomics, Inc
Classification: Likely pathogenic for Ehlers-Danlos syndrome due to tenascin-X deficiency; Vesicoureteral reflux 8. Review status: criteria provided, single submitter. Criteria: ACMG Guidelines, 2015. Collection method: clinical testing. Allele origin: germline.
Comment: Null variant in a gene where loss of function (LOF) is a known mechanism of disease.;Absent from controls (or at extremely low frequency if recessive) in Genome Aggregation Database.